The following is an entry in ClinVar:

ClinVar aggregate classification (germline): Pathogenic. Review status: criteria provided, multiple submitters, no conflicts (2 of 4 stars). 4 submissions from 4 submitters: Pathogenic (3). 1 of the submissions does not count toward it. Last evaluated 2025-01-07.

Conditions:
ASPM-related disorder. Also called: ASPM-related condition.
Microcephaly 5, primary, autosomal recessive (MCPH5). Also called: ASPM Primary Microcephaly. Identifiers: Orphanet 2512, MedGen C1837501, MONDO:0012106, OMIM 608716.

Submissions (4):

PreventionGenetics, part of Exact Sciences
Classification: Pathogenic for ASPM-related condition. Last evaluated: 2025-01-07. Review status: criteria provided, single submitter. Criteria: ACMG Guidelines, 2015. Collection method: clinical testing. Allele origin: germline.
Comment: The ASPM c.1631_1635del5 variant is predicted to result in a frameshift and premature protein termination (p.Tyr544Serfs*9). This variant has been reported in the compound heterozygous or homozygous states in individuals with primary microcephaly (Passemard et al. 2009. PubMed ID: 19770472; Duerinckx et al. 2021. PubMed ID: 34402213). This variant is reported in 0.0081% of alleles in individuals of African descent in gnomAD. Frameshift variants in ASPM are expected to be pathogenic. This variant is interpreted as pathogenic.

GeneDx
Classification: Pathogenic. Last evaluated: 2024-07-14. Review status: criteria provided, single submitter. Criteria: GeneDx Variant Classification Process June 2021. Collection method: clinical testing. Allele origin: germline. Affected: yes.
Comment: Frameshift variant predicted to result in protein truncation or nonsense mediated decay in a gene for which loss of function is a known mechanism of disease; Not observed at significant frequency in large population cohorts (gnomAD); This variant is associated with the following publications: (PMID: 20301772, 34402213, 19770472)

Child Neurology Department, Hôpital Universitaire de Bruxelles
Classification: Pathogenic for Microcephaly 5, primary, autosomal recessive. Last evaluated: 2020-01-01. Review status: criteria provided, single submitter. Criteria: ACMG Guidelines, 2015. Collection method: clinical testing. Allele origin: inherited. Affected: yes.

GeneReviews
No classification provided. Condition: Microcephaly 5, primary, autosomal recessive. Review status: no classification provided. Collection method: literature only. Allele origin: unknown. Not counted in ClinVar's aggregate classification.

Literature cited by the submitters: PubMed 20301772 (cited by GeneReviews); NCBI Bookshelf NBK9587 (cited by GeneReviews).

NM_018136.5(ASPM):c.1631_1635del (p.Tyr544fs)

Gene: ASPM (assembly factor for spindle microtubules; minus strand). Cytogenetic location: 1q31.3.
Variant type: Deletion.
Coding change: c.1631_1635del on transcript NM_018136.5 (MANE Select); coding-DNA positions 1631 to 1635, 5 bases deleted (ATCTT; older notation c.1631_1635delATCTT).
Protein change: p.Tyr544fs; shifts the reading frame from tyrosine 544.
Molecular consequence: frameshift variant.
Genome position (GRCh38, 1-based): chr1:197,142,617-197,142,621, AAGAT deleted on the plus strand (ATCTT on the coding strand, the reverse complement: ASPM is on the minus strand); deleting any 5 consecutive bases within chr1:197,142,617-197,142,625 gives the same sequence; the c. name uses the placement nearest the transcript's 3' end. VCF-style (leftmost placement, unchanged base first): chr1-197142616-GAAGAT-G. GRCh37 (hg19) VCF-style: chr1-197111746-GAAGAT-G.
Other names: c.1631_1635del, p.Tyr544fs (NM_001206846.2); c.1628_1632delCTTAT (NM_018136.4); c.1631_1635del (NM_018136.4); c.1631_1635del5 (NM_018136.4); short protein forms Y544fs.
Identifiers: ClinVar variation 21558 (VCV000021558.9), dbSNP rs199422144, ClinGen allele CA342220.